The following is an entry in ClinVar:

NM_002439.5(MSH3):c.909+4A>G

Gene: MSH3 (mutS homolog 3; plus strand). Cytogenetic location: 5q14.1.
Variant type: single nucleotide variant.
Coding change: c.909+4A>G on transcript NM_002439.5 (MANE Select); 4 bases into the intron after coding-DNA position 909, A replaced by G.
Molecular consequence: intron variant.
Genome position (GRCh38, 1-based): chr5:80,672,364, A>G. VCF-style: chr5-80672364-A-G. GRCh37 (hg19) VCF-style: chr5-79968183-A-G.
Identifiers: ClinVar variation 1943317 (VCV001943317.5), dbSNP rs2546722474, ClinGen allele CA2580073568.
Genomic context (GRCh38, chr5:80,672,364, plus strand): 5'-ATACCTACTCACAGACTGTTTGTTCATGTACGCCGCCTGGTGGCAAAAGGATATAAGGTC[A>G]GCTTTGGCTTTAACTTGTGGGGAAAGGAAATTGGGATTCTCCTCCAGAGAGTGCAAACGT-3'

ClinVar aggregate classification (germline): Uncertain significance (1 of 4 stars; one submission).

Submission:

Labcorp Genetics (formerly Invitae), Labcorp
Classification: Uncertain significance. Last evaluated: 2025-10-25. Review status: criteria provided, single submitter. Criteria: Invitae Variant Classification Sherloc (09022015). Collection method: clinical testing. Allele origin: germline.
Comment: This sequence change falls in intron 5 of the MSH3 gene. It does not directly change the encoded amino acid sequence of the MSH3 protein. It affects a nucleotide within the consensus splice site. This variant is not present in population databases (gnomAD no frequency). This variant has not been reported in the literature in individuals affected with MSH3-related conditions. ClinVar contains an entry for this variant (Variation ID: 1943317). Variants that disrupt the consensus splice site are a relatively common cause of aberrant splicing (PMID: 17576681, 9536098). Algorithms developed to predict the effect of sequence changes on RNA splicing suggest that this variant is not likely to affect RNA splicing. In summary, the available evidence is currently insufficient to determine the role of this variant in disease. Therefore, it has been classified as a Variant of Uncertain Significance.

Literature cited by the submitters: PubMed 17576681; PubMed 9536098.